The following is an entry in ClinVar:

ClinVar aggregate classification (germline): Uncertain significance (1 of 4 stars; one submission).

Conditions:
Peroxisome biogenesis disorder 12A (Zellweger). Also called: Peroxisome biogenesis disorder 12A. Identifiers: Orphanet 912, MedGen C3554002, MONDO:0013951, OMIM 614886.

Submission:

Labcorp Genetics (formerly Invitae), Labcorp
Classification: Uncertain significance for Peroxisome biogenesis disorder 12A (Zellweger). Last evaluated: 2022-11-08. Review status: criteria provided, single submitter. Criteria: Invitae Variant Classification Sherloc (09022015). Collection method: clinical testing. Allele origin: germline.
Comment: In summary, the available evidence is currently insufficient to determine the role of this variant in disease. Therefore, it has been classified as a Variant of Uncertain Significance. Variants that disrupt the consensus splice site are a relatively common cause of aberrant splicing (PMID: 17576681, 9536098). Algorithms developed to predict the effect of sequence changes on RNA splicing suggest that this variant is not likely to affect RNA splicing. This variant has not been reported in the literature in individuals affected with PEX19-related conditions. This variant is not present in population databases (gnomAD no frequency). This sequence change falls in intron 4 of the PEX19 gene. It does not directly change the encoded amino acid sequence of the PEX19 protein. It affects a nucleotide within the consensus splice site.

Literature cited by the submitters: PubMed 17576681; PubMed 9536098.

NM_002857.4(PEX19):c.432+3G>A

Gene: PEX19 (peroxisomal biogenesis factor 19; minus strand). Cytogenetic location: 1q23.2.
Variant type: single nucleotide variant.
Coding change: c.432+3G>A on transcript NM_002857.4 (MANE Select); 3 bases into the intron after coding-DNA position 432, G replaced by A.
Molecular consequence: intron variant.
Genome position (GRCh38, 1-based): chr1:160,282,414, C>T on the plus strand (G>A on the coding strand, the complement: PEX19 is on the minus strand). VCF-style: chr1-160282414-C-T. GRCh37 (hg19) VCF-style: chr1-160252204-C-T.
Other names: c.432+3G>A (NM_001193644.1).
Identifiers: ClinVar variation 2171775 (VCV002171775.4), dbSNP rs1657809353, ClinGen allele CA1202255629.